The following is an entry in ClinVar:

NM_002490.6(NDUFA6):c.335C>T (p.Ala112Val)

Gene: NDUFA6 (NADH:ubiquinone oxidoreductase subunit A6; minus strand). Cytogenetic location: 22q13.2.
Variant type: single nucleotide variant.
Coding change: c.335C>T on transcript NM_002490.6 (MANE Select); coding-DNA position 335, C replaced by T.
Protein change: p.Ala112Val; replaces alanine 112 with valine.
Molecular consequence: missense variant.
Genome position (GRCh38, 1-based): chr22:42,086,235, G>A on the plus strand (C>T on the coding strand, the complement: NDUFA6 is on the minus strand). VCF-style: chr22-42086235-G-A. GRCh37 (hg19) VCF-style: chr22-42482239-G-A.
Other names: short protein forms A112V.
Identifiers: ClinVar variation 1911999 (VCV001911999.3), dbSNP rs776731051, ClinGen allele CA10264320.
Genomic context (GRCh38, chr22:42,086,235, plus strand): 5'-GAATGACTTCATGGATCGTGGCCAACATAGAACTTGGATAGGAAATCCTTTGGCCTTGGC[G>A]CTTCTGTTTCATGGAAGAACCGCATAACATGTGTCCGCTGCTTCCATACTTTAATTGTTT-3'
Protein context (NP_002481.3, residues 102-122): HVMRFFHETE[Ala112Val]PRPKDFLSKF

ClinVar aggregate classification (germline): Uncertain significance (1 of 4 stars; one submission).

Allele frequency attached by ClinVar (database versions not stated): ExAC 0.00001; TOPMed 0.00002.
gnomAD v4.1: 22 of 1,614,182 alleles (0.0014%); highest among the groups gnomAD compares: Admixed American, 0.013%; no homozygotes.

Submission:

Labcorp Genetics (formerly Invitae), Labcorp
Classification: Uncertain significance. Last evaluated: 2024-10-22. Review status: criteria provided, single submitter. Criteria: Invitae Variant Classification Sherloc (09022015). Collection method: clinical testing. Allele origin: germline.
Comment: This sequence change replaces alanine, which is neutral and non-polar, with valine, which is neutral and non-polar, at codon 138 of the NDUFA6 protein (p.Ala138Val). This variant is present in population databases (rs776731051, gnomAD 0.02%). This variant has not been reported in the literature in individuals affected with NDUFA6-related conditions. ClinVar contains an entry for this variant (Variation ID: 1911999). An algorithm developed to predict the effect of missense changes on protein structure and function (PolyPhen-2) suggests that this variant¬†is likely to be tolerated. In summary, the available evidence is currently insufficient to determine the role of this variant in disease. Therefore, it has been classified as a Variant of Uncertain Significance.